The following is an entry in ClinVar:

NM_017757.3(ZNF407):c.2403dup (p.Gly802fs)

Genes: ZNF407 (zinc finger protein 407; plus strand), LOC126862798 (MED14-independent group 3 enhancer GRCh37_chr18:72345358-72346557; plus strand). Cytogenetic location: 18q22.3.
Variant type: Duplication.
Coding change: c.2403dup on transcript NM_017757.3 (MANE Select); coding-DNA position 2403, one base duplicated (A; older notation c.2403dupA).
Protein change: p.Gly802fs; shifts the reading frame from glycine 802.
Molecular consequence: frameshift variant.
Genome position (GRCh38, 1-based): chr18:74,633,422, A duplicated. VCF-style (leftmost placement, unchanged base first): chr18-74633421-T-TA. GRCh37 (hg19) VCF-style: chr18-72345377-T-TA.
Other names: c.2403dup, p.Gly802fs (NM_001146189.1, NM_001146190.1, NM_001384475.1); short protein forms G802fs.
Identifiers: ClinVar variation 3378203 (VCV003378203.1).
Genomic context (GRCh38, chr18:74,633,421, plus strand): 5'-GTGCAAATGATAAAAAAGAAGAGTTTGATGTTTCCGGAAATGGAAGGATTGAAGGCCATA[T>TA]AGGTGTGCAATTACAAGAGCATTCCTATCTTGAGAAGGGCATGCTGGCGTCTGAGGAACT-3'

ClinVar aggregate classification (germline): Uncertain significance (1 of 4 stars; one submission).

Submission:

GeneDx
Classification: Uncertain significance. Last evaluated: 2024-05-13. Review status: criteria provided, single submitter. Criteria: GeneDx Variant Classification Process June 2021. Collection method: clinical testing. Allele origin: germline. Affected: yes.
Comment: Not observed at significant frequency in large population cohorts (gnomAD); Frameshift variant predicted to result in protein truncation or nonsense mediated decay in a gene or region of a gene for which loss of function is not a well-established mechanism of disease; Has not been previously published as pathogenic or benign to our knowledge